The following is an entry in ClinVar:

NM_001371986.1(UNC80):c.1208C>T (p.Thr403Ile)

Gene: UNC80 (unc-80 homolog, NALCN channel complex subunit; plus strand). Cytogenetic location: 2q34.
Variant type: single nucleotide variant.
Coding change: c.1208C>T on transcript NM_001371986.1 (MANE Select); coding-DNA position 1208, C replaced by T.
Protein change: p.Thr403Ile; replaces threonine 403 with isoleucine.
Molecular consequence: missense variant.
Genome position (GRCh38, 1-based): chr2:209,815,264, C>T. VCF-style: chr2-209815264-C-T. GRCh37 (hg19) VCF-style: chr2-210679988-C-T.
Other names: c.1208C>T, p.Thr403Ile (NM_032504.2, NM_182587.4); short protein forms T403I.
Identifiers: ClinVar variation 2062061 (VCV002062061.3), dbSNP rs2079648886, ClinGen allele CA350134084.

ClinVar aggregate classification (germline): Uncertain significance (1 of 4 stars; one submission).

Allele frequency attached by ClinVar (database versions not stated): gnomAD exomes below 0.00001; TOPMed 0.00001.
gnomAD v4.1: 1 of 1,551,578 alleles (0.000064%); highest among the groups gnomAD compares: Non-Finnish European, 0.000087%; no homozygotes.

Submission:

Labcorp Genetics (formerly Invitae), Labcorp
Classification: Uncertain significance. Last evaluated: 2022-02-09. Review status: criteria provided, single submitter. Criteria: Invitae Variant Classification Sherloc (09022015). Collection method: clinical testing. Allele origin: germline.
Comment: This variant has not been reported in the literature in individuals affected with UNC80-related conditions. In summary, the available evidence is currently insufficient to determine the role of this variant in disease. Therefore, it has been classified as a Variant of Uncertain Significance. Algorithms developed to predict the effect of missense changes on protein structure and function are either unavailable or do not agree on the potential impact of this missense change (SIFT: "Not Available"; PolyPhen-2: "Probably Damaging"; Align-GVGD: "Not Available"). This variant is not present in population databases (gnomAD no frequency). This sequence change replaces threonine, which is neutral and polar, with isoleucine, which is neutral and non-polar, at codon 403 of the UNC80 protein (p.Thr403Ile).